The following is an entry in ClinVar:

NM_015909.4(NBAS):c.5357G>A (p.Arg1786Gln)

Gene: NBAS (NBAS subunit of NRZ tethering complex; minus strand). Cytogenetic location: 2p24.3.
Variant type: single nucleotide variant.
Coding change: c.5357G>A on transcript NM_015909.4 (MANE Select); coding-DNA position 5357, G replaced by A.
Protein change: p.Arg1786Gln; replaces arginine 1786 with glutamine.
Molecular consequence: missense variant. On other transcripts: non-coding transcript variant (1).
Genome position (GRCh38, 1-based): chr2:15,276,883, C>T on the plus strand (G>A on the coding strand, the complement: NBAS is on the minus strand). VCF-style: chr2-15276883-C-T. GRCh37 (hg19) VCF-style: chr2-15417007-C-T.
Other names: c.5357G>A (NM_015909.2, NM_015909.3); short protein forms R1786Q.
Identifiers: ClinVar variation 1041459 (VCV001041459.8), dbSNP rs372235727, ClinGen allele CA1535320.
Genomic context (GRCh38, chr2:15,276,883, plus strand): 5'-AATTCAAGCAGGGAAACAACCATCCTACCTGATGCAACAACCTTAAACTTCTTCAGCAGT[C>T]GAATGTGGGTTTCTGGTTTAATGGCACAGTTCCCCAAATCTGCACAGCCACAGTTTTCCA-3'
Protein context (NP_056993.2, residues 1776-1796): NCAIKPETHI[Arg1786Gln]LLKKFKVVAS

ClinVar aggregate classification (germline): Uncertain significance. Review status: criteria provided, multiple submitters, no conflicts (2 of 4 stars). 3 submissions from 3 submitters: Uncertain significance (3). Last evaluated 2026-03-05.

Conditions:
Inborn genetic diseases. Identifiers: MedGen C0950123, MeSH D030342.
NBAS-related disorder. Also called: NBAS-related condition.

Allele frequency attached by ClinVar (database versions not stated): ExAC 0.00002; gnomAD 0.00002; gnomAD exomes 0.00002; TOPMed 0.00003; ESP Exome Variant Server 0.00008.
gnomAD v4.1: 27 of 1,613,876 alleles (0.0017%); highest among the groups gnomAD compares: Middle Eastern, 0.016%; no homozygotes.

Submissions (3):

PreventionGenetics, part of Exact Sciences
Classification: Uncertain significance for NBAS-related condition. Last evaluated: 2026-03-05. Review status: criteria provided, single submitter. Criteria: ACMG Guidelines, 2015. Collection method: clinical testing. Allele origin: germline.
Comment: The NBAS c.5357G>A variant is predicted to result in the amino acid substitution p.Arg1786Gln. To our knowledge, this variant has not been reported in the literature. This variant is reported in 0.0056% of alleles in individuals of Latino descent in gnomAD. At this time, the clinical significance of this variant is uncertain due to the absence of conclusive functional and genetic evidence.

Ambry Genetics
Classification: Uncertain significance for Inborn genetic diseases. Last evaluated: 2025-10-02. Review status: criteria provided, single submitter. Criteria: Ambry Variant Classification Scheme 2023. Collection method: clinical testing. Allele origin: germline.

Labcorp Genetics (formerly Invitae), Labcorp
Classification: Uncertain significance. Last evaluated: 2024-11-14. Review status: criteria provided, single submitter. Criteria: Invitae Variant Classification Sherloc (09022015). Collection method: clinical testing. Allele origin: germline.
Comment: This sequence change replaces arginine, which is basic and polar, with glutamine, which is neutral and polar, at codon 1786 of the NBAS protein (p.Arg1786Gln). This variant is present in population databases (rs372235727, gnomAD 0.006%). This variant has not been reported in the literature in individuals affected with NBAS-related conditions. ClinVar contains an entry for this variant (Variation ID: 1041459). Invitae Evidence Modeling of protein sequence and biophysical properties (such as structural, functional, and spatial information, amino acid conservation, physicochemical variation, residue mobility, and thermodynamic stability) indicates that this missense variant is not expected to disrupt NBAS protein function with a negative predictive value of 95%. In summary, the available evidence is currently insufficient to determine the role of this variant in disease. Therefore, it has been classified as a Variant of Uncertain Significance.